The following is an entry in ClinVar:

NM_003906.5(MCM3AP):c.425C>G (p.Thr142Arg)

Gene: MCM3AP (minichromosome maintenance complex component 3 associated protein; minus strand). Cytogenetic location: 21q22.3.
Variant type: single nucleotide variant.
Coding change: c.425C>G on transcript NM_003906.5 (MANE Select); coding-DNA position 425, C replaced by G.
Protein change: p.Thr142Arg; replaces threonine 142 with arginine.
Molecular consequence: missense variant.
Genome position (GRCh38, 1-based): chr21:46,284,862, G>C on the plus strand (C>G on the coding strand, the complement: MCM3AP is on the minus strand). VCF-style: chr21-46284862-G-C. GRCh37 (hg19) VCF-style: chr21-47704776-G-C.
Other names: short protein forms T142R.
Identifiers: ClinVar variation 1944391 (VCV001944391.3), dbSNP rs756132205, ClinGen allele CA10077347.

ClinVar aggregate classification (germline): Uncertain significance (1 of 4 stars; one submission).

Allele frequency attached by ClinVar (database versions not stated): gnomAD exomes 0.00001; ExAC 0.00003.
gnomAD v4.1: 15 of 1,614,152 alleles (0.00093%); highest among the groups gnomAD compares: Non-Finnish European, 0.0012%; no homozygotes.

Submission:

Labcorp Genetics (formerly Invitae), Labcorp
Classification: Uncertain significance. Last evaluated: 2022-02-08. Review status: criteria provided, single submitter. Criteria: Invitae Variant Classification Sherloc (09022015). Collection method: clinical testing. Allele origin: germline.
Comment: This variant is present in population databases (rs756132205, gnomAD 0.004%). In summary, the available evidence is currently insufficient to determine the role of this variant in disease. Therefore, it has been classified as a Variant of Uncertain Significance. Algorithms developed to predict the effect of missense changes on protein structure and function are either unavailable or do not agree on the potential impact of this missense change (SIFT: "Deleterious"; PolyPhen-2: "Probably Damaging"; Align-GVGD: "Class C0"). This variant has not been reported in the literature in individuals affected with MCM3AP-related conditions. This sequence change replaces threonine, which is neutral and polar, with arginine, which is basic and polar, at codon 142 of the MCM3AP protein (p.Thr142Arg).